The following is an entry in ClinVar:

ClinVar aggregate classification (germline): Uncertain significance (1 of 4 stars; one submission).

Conditions:
Osteogenesis imperfecta type I (OI1). Also called: OI, TYPE I; OSTEOGENESIS IMPERFECTA TARDA; OSTEOGENESIS IMPERFECTA WITH BLUE SCLERAE; Lobstein's Disease; Osteogenesis imperfecta type 1; Classic Non-deforming Osteogenesis Imperfecta with Blue Sclerae. Identifiers: Orphanet 216796, Orphanet 666, MedGen C0023931, MONDO:0008146, OMIM 166200. Disease mechanism: loss of function.

gnomAD v4.1: 1 of 1,611,450 alleles (0.000062%); highest among the groups gnomAD compares: South Asian, 0.0011%; no homozygotes.

Submission:

Labcorp Genetics (formerly Invitae), Labcorp
Classification: Uncertain significance for Osteogenesis imperfecta type I. Last evaluated: 2025-12-06. Review status: criteria provided, single submitter. Criteria: Invitae Variant Classification Sherloc (09022015). Collection method: clinical testing. Allele origin: germline.
Comment: This sequence change replaces alanine, which is neutral and non-polar, with glycine, which is neutral and non-polar, at codon 864 of the COL1A1 protein (p.Ala864Gly). This variant is not present in population databases (gnomAD no frequency). This variant has not been reported in the literature in individuals affected with COL1A1-related conditions. Invitae Evidence Modeling of protein sequence and biophysical properties (such as structural, functional, and spatial information, amino acid conservation, physicochemical variation, residue mobility, and thermodynamic stability) indicates that this missense variant is not expected to disrupt COL1A1 protein function with a negative predictive value of 95%. In summary, the available evidence is currently insufficient to determine the role of this variant in disease. Therefore, it has been classified as a Variant of Uncertain Significance.

NM_000088.4(COL1A1):c.2591C>G (p.Ala864Gly)

Gene: COL1A1 (collagen type I alpha 1 chain; minus strand). Cytogenetic location: 17q21.33.
Variant type: single nucleotide variant.
Coding change: c.2591C>G on transcript NM_000088.4 (MANE Select); coding-DNA position 2591, C replaced by G.
Protein change: p.Ala864Gly; replaces alanine 864 with glycine.
Molecular consequence: missense variant.
Genome position (GRCh38, 1-based): chr17:50,189,881, G>C on the plus strand (C>G on the coding strand, the complement: COL1A1 is on the minus strand). VCF-style: chr17-50189881-G-C. GRCh37 (hg19) VCF-style: chr17-48267242-G-C.
Other names: short protein forms A864G.
Identifiers: ClinVar variation 4800887 (VCV004800887.1).